The following is an entry in ClinVar:

NM_016203.4(PRKAG2):c.1627G>T (p.Gly543Cys)

Gene: PRKAG2 (protein kinase AMP-activated non-catalytic subunit gamma 2; minus strand). Cytogenetic location: 7q36.1.
Variant type: single nucleotide variant.
Coding change: c.1627G>T on transcript NM_016203.4 (MANE Select); coding-DNA position 1627, G replaced by T.
Protein change: p.Gly543Cys; replaces glycine 543 with cysteine.
Molecular consequence: missense variant.
Genome position (GRCh38, 1-based): chr7:151,560,575, C>A on the plus strand (G>T on the coding strand, the complement: PRKAG2 is on the minus strand). VCF-style: chr7-151560575-C-A. GRCh37 (hg19) VCF-style: chr7-151257661-C-A.
Other names: c.1495G>T, p.Gly499Cys (NM_001040633.2, NM_001407024.1); c.1252G>T, p.Gly418Cys (NM_001304527.2, NM_001407029.1); c.904G>T, p.Gly302Cys (NM_001304531.2, NM_024429.2, NM_001407034.1 and 1 more transcripts); c.1255G>T, p.Gly419Cys (NM_001363698.2, NM_001407028.1); c.1627G>T, p.Gly543Cys (NM_001407021.1); c.1624G>T, p.Gly542Cys (NM_001407022.1, NM_001407023.1); c.1492G>T, p.Gly498Cys (NM_001407026.1, NM_001407027.1); c.952G>T, p.Gly318Cys (NM_001407038.1); and 7 more; short protein forms G301C, G302C, G318C, G322C, G418C, G419C, G435C, G437C.
Identifiers: ClinVar variation 3074730 (VCV003074730.4), dbSNP rs2536232329, ClinGen allele CA370070329.

ClinVar aggregate classification (germline): Uncertain significance. Review status: criteria provided, multiple submitters, no conflicts (2 of 4 stars). 3 submissions from 3 submitters: Uncertain significance (3). Last evaluated 2026-07-24.

Conditions:
Hypertrophic cardiomyopathy. Also called: HYPERTROPHIC MYOCARDIOPATHY. Identifiers: Orphanet 217569, MedGen C0007194, MeSH D002312, MONDO:0005045, HP:0001639.
Lethal congenital glycogen storage disease of heart. Also called: GLYCOGEN STORAGE DISEASE OF HEART; PHOSPHORYLASE KINASE DEFICIENCY OF HEART. Identifiers: Orphanet 439854, MedGen C1849813, MONDO:0009867, OMIM 261740.
Cardiovascular phenotype. Identifiers: MedGen CN230736.

Submissions (3):

Ambry Genetics
Classification: Uncertain significance for Cardiovascular phenotype. Last evaluated: 2026-07-24. Review status: criteria provided, single submitter. Criteria: Ambry Variant Classification Scheme 2023. Collection method: clinical testing. Allele origin: germline.
Comment: The p.G543C variant (also known as c.1627G>T), located in coding exon 15 of the PRKAG2 gene, results from a G to T substitution at nucleotide position 1627. The glycine at codon 543 is replaced by cysteine, an amino acid with highly dissimilar properties. This amino acid position is conserved. In addition, this alteration is predicted to be deleterious by in silico analysis. Based on the available evidence, the clinical significance of this variant remains unclear.

Labcorp Genetics (formerly Invitae), Labcorp
Classification: Uncertain significance for Lethal congenital glycogen storage disease of heart. Last evaluated: 2025-01-23. Review status: criteria provided, single submitter. Criteria: Invitae Variant Classification Sherloc (09022015). Collection method: clinical testing. Allele origin: germline.
Comment: This sequence change replaces glycine, which is neutral and non-polar, with cysteine, which is neutral and slightly polar, at codon 543 of the PRKAG2 protein (p.Gly543Cys). This variant is not present in population databases (gnomAD no frequency). This variant has not been reported in the literature in individuals affected with PRKAG2-related conditions. ClinVar contains an entry for this variant (Variation ID: 3074730). Invitae Evidence Modeling of protein sequence and biophysical properties (such as structural, functional, and spatial information, amino acid conservation, physicochemical variation, residue mobility, and thermodynamic stability) indicates that this missense variant is expected to disrupt PRKAG2 protein function with a positive predictive value of 95%. In summary, the available evidence is currently insufficient to determine the role of this variant in disease. Therefore, it has been classified as a Variant of Uncertain Significance.

All of Us Research Program, National Institutes of Health
Classification: Uncertain significance for Hypertrophic cardiomyopathy. Last evaluated: 2023-12-13. Review status: criteria provided, single submitter. Criteria: ACMG Guidelines, 2015. Collection method: clinical testing. Allele origin: germline. Inheritance: Autosomal dominant inheritance. Observed: 1 variant allele, 1 heterozygote.
Comment: This missense variant replaces glycine with cysteine at codon 543 of the PRKAG2 protein. Computational prediction suggests that this variant may have deleterious impact on protein structure and function (internally defined REVEL score threshold >= 0.7, PMID: 27666373). To our knowledge, functional studies have not been reported for this variant. This variant has not been reported in individuals affected with PRKAG2-related disorders in the literature. This variant has not been identified in the general population by the Genome Aggregation Database (gnomAD). The available evidence is insufficient to determine the role of this variant in disease conclusively. Therefore, this variant is classified as a Variant of Uncertain Significance.

This study involves interpretation of variants in research participants for the purpose of population health screening. Participant phenotype was not available at the time of variant classification. Additional details can be found in publication PMID: 35346344, PMCID: PMC8962531